The following is an entry in ClinVar:

NM_130839.5(UBE3A):c.682G>A (p.Asp228Asn)

Genes: SNHG14 (small nucleolar RNA host gene 14; plus strand), UBE3A (ubiquitin protein ligase E3A; minus strand). Cytogenetic location: 15q11.2.
Variant type: single nucleotide variant.
Coding change: c.682G>A on transcript NM_130839.5 (MANE Select); coding-DNA position 682, G replaced by A.
Protein change: p.Asp228Asn; replaces aspartic acid 228 with asparagine.
Molecular consequence: missense variant. On other transcripts: non-coding transcript variant (1), intron variant (2).
Genome position (GRCh38, 1-based): chr15:25,371,492, C>T on the plus strand (G>A on the coding strand, the complement: UBE3A is on the minus strand). VCF-style: chr15-25371492-C-T. GRCh37 (hg19) VCF-style: chr15-25616639-C-T.
Other names: c.622G>A, p.Asp208Asn (NM_001354544.2, NM_001354547.2, NM_001354548.2 and 17 more transcripts); c.682G>A, p.Asp228Asn (NM_001354545.2, NM_001354538.2, NM_001354505.1); c.505G>A, p.Asp169Asn (NM_001354546.2); c.301+3973G>A (NM_001354551.2); c.361+3973G>A (NM_001354550.2); c.691G>A, p.Asp231Asn (NM_000462.5); short protein forms D228N, D169N, D208N, D231N.
Identifiers: ClinVar variation 3639976 (VCV003639976.2).

ClinVar aggregate classification (germline): Uncertain significance (1 of 4 stars; one submission).

Conditions:
Angelman syndrome (AS). Also called: HAPPY PUPPET SYNDROME. Identifiers: Orphanet 72, MedGen C0162635, MONDO:0007113, OMIM 105830. Disease mechanism: loss of function. Inheritance: AS is caused by disruption of maternally imprinted UBE3A located within the 15q11.2-q13 Angelman syndrome/Prader-Willi syndrome (AS/PWS) region., imprinting disorder.

Submission:

Labcorp Genetics (formerly Invitae), Labcorp
Classification: Uncertain significance for Angelman syndrome. Last evaluated: 2024-02-09. Review status: criteria provided, single submitter. Criteria: Invitae Variant Classification Sherloc (09022015). Collection method: clinical testing. Allele origin: germline.
Comment: This sequence change replaces aspartic acid, which is acidic and polar, with asparagine, which is neutral and polar, at codon 208 of the UBE3A protein (p.Asp208Asn). This variant is not present in population databases (gnomAD no frequency). This variant has not been reported in the literature in individuals affected with UBE3A-related conditions. Advanced modeling of protein sequence and biophysical properties (such as structural, functional, and spatial information, amino acid conservation, physicochemical variation, residue mobility, and thermodynamic stability) has been performed at Invitae for this missense variant, however the output from this modeling did not meet the statistical confidence thresholds required to predict the impact of this variant on UBE3A protein function. In summary, the available evidence is currently insufficient to determine the role of this variant in disease. Therefore, it has been classified as a Variant of Uncertain Significance.